The following is an entry in ClinVar:

ClinVar aggregate classification (germline): Uncertain significance. Review status: criteria provided, multiple submitters, no conflicts (2 of 4 stars). 2 submissions from 2 submitters: Uncertain significance (2). Last evaluated 2026-06-04.

Conditions:
Desmin-related myofibrillar myopathy (MFM1). Also called: Myofibrillar myopathy 1; Desminopathy; MYOFIBRILLAR MYOPATHY WITH ARRHYTHMOGENIC RIGHT VENTRICULAR CARDIOMYOPATHY; DESMIN-RELATED MYOPATHY WITH ARRHYTHMOGENIC RIGHT VENTRICULAR CARDIOMYOPATHY; Desmin related myopathy (former name); Desmin storage myopathy (former name). Identifiers: Orphanet 363543, Orphanet 98909, MedGen C1832370, MONDO:0011076, OMIM 601419.
Cardiovascular phenotype. Identifiers: MedGen CN230736.

Submissions (2):

Ambry Genetics
Classification: Uncertain significance for Cardiovascular phenotype. Last evaluated: 2026-06-04. Review status: criteria provided, single submitter. Criteria: Ambry Variant Classification Scheme 2023. Collection method: clinical testing. Allele origin: germline.
Comment: The c.669_670delTGinsCC variant, located in coding exon 3 of the DES gene, results from an in-frame deletion of TG and insertion of CC at nucleotide positions 669 to 670. This results in the substitution of the aspartic acid residue for a histidine residue at codon 224, an amino acid with similar properties. This amino acid position is highly conserved in available vertebrate species. In addition, this alteration is predicted to be deleterious by in silico analysis. Since supporting evidence is limited at this time, the clinical significance of this alteration remains unclear.

Labcorp Genetics (formerly Invitae), Labcorp
Classification: Uncertain significance for Desmin-related myofibrillar myopathy. Last evaluated: 2023-12-30. Review status: criteria provided, single submitter. Criteria: Invitae Variant Classification Sherloc (09022015). Collection method: clinical testing. Allele origin: germline.
Comment: This sequence change replaces aspartic acid, which is acidic and polar, with histidine, which is basic and polar, at codon 224 of the DES protein (p.Asp224His). Information on the frequency of this variant in the gnomAD database is not available, as this variant may be reported differently in the database. This variant has not been reported in the literature in individuals affected with DES-related conditions. ClinVar contains an entry for this variant (Variation ID: 836145). Experimental studies and prediction algorithms are not available or were not evaluated, and the functional significance of this variant is currently unknown. In summary, the available evidence is currently insufficient to determine the role of this variant in disease. Therefore, it has been classified as a Variant of Uncertain Significance.

NM_001927.4(DES):c.669_670delinsCC (p.Asp224His)

Gene: DES (desmin; plus strand). Cytogenetic location: 2q35.
Variant type: Indel.
Coding change: c.669_670delinsCC on transcript NM_001927.4 (MANE Select); coding-DNA positions 669 to 670, TG replaced by CC.
Protein change: p.Asp224His; replaces aspartic acid 224 with histidine.
Molecular consequence: missense variant.
Genome position (GRCh38, 1-based): chr2:219,420,280-219,420,281, TG replaced by CC. VCF-style: chr2-219420280-TG-CC. GRCh37 (hg19) VCF-style: chr2-220285002-TG-CC.
Other names: c.669_670delTGinsCC (NM_001927.3); short protein forms D224H.
Identifiers: ClinVar variation 836145 (VCV000836145.10), dbSNP rs1954411290, ClinGen allele CA916081388.